The following is an entry in ClinVar:

ClinVar aggregate classification (germline): Likely pathogenic (1 of 4 stars; one submission).

Conditions:
Cardiovascular phenotype. Identifiers: MedGen CN230736.

Submission:

Ambry Genetics
Classification: Likely pathogenic for Cardiovascular phenotype. Last evaluated: 2019-04-15. Review status: criteria provided, single submitter. Criteria: Ambry Variant Classification Scheme 2023. Collection method: clinical testing. Allele origin: germline.
Comment: The c.625G>C variant (also known as p.G209R), located in coding exon 4 of the ACVRL1 gene, results from a G to A substitution at nucleotide position 625. The amino acid change results in glycine to arginine at codon 209, an amino acid with dissimilar properties. In addition, this change occurs in the last base pair of coding exon 4, which makes it likely to have some effect on normal mRNA splicing. This alteration has been reported in association with hereditary hemorrhagic telangiectasia (Richards-Yutz J et al. Hum. Genet., 2010 Jul;128:61-77). In addition, this alteration co-segregated with the disease in one family tested at our laboratory. Both the amino acid and nucleotide positions are highly conserved in available vertebrate species. Using the BDGP and ESEfinder splice site prediction tools, this alteration is predicted to abolish the native splice donor site; however, direct evidence is unavailable. In addition, this alteration is predicted to be deleterious by in silico analysis. Based on the majority of available evidence to date, this variant is likely to be pathogenic.

Literature cited by the submitters: PubMed 20414677.

NM_000020.3(ACVRL1):c.625G>C (p.Gly209Arg)

Gene: ACVRL1 (activin A receptor like type 1; plus strand). Cytogenetic location: 12q13.13.
Variant type: single nucleotide variant.
Coding change: c.625G>C on transcript NM_000020.3 (MANE Select); coding-DNA position 625, G replaced by C.
Protein change: p.Gly209Arg; replaces glycine 209 with arginine.
Molecular consequence: missense variant.
Genome position (GRCh38, 1-based): chr12:51,914,073, G>C. VCF-style: chr12-51914073-G-C. GRCh37 (hg19) VCF-style: chr12-52307857-G-C.
Other names: c.625G>C, p.Gly209Arg (NM_001077401.2, NM_001406487.1, NM_001406488.1 and 1 more transcripts); short protein forms G209R.
Identifiers: ClinVar variation 1752493 (VCV001752493.2), dbSNP rs1940766958, ClinGen allele CA384899930.
Genomic context (GRCh38, chr12:51,914,073, plus strand): 5'-GGGCTCCCCTTCCTGGTGCAGAGGACAGTGGCACGGCAGGTTGCCTTGGTGGAGTGTGTG[G>C]GTGAGCAGTGGGTGAGCCCGGTGGATGAGGACCAAGGGCTCTCATGAGCCTGGAGGGGTG-3'
Protein context (NP_000011.2, residues 199-219): ARQVALVECV[Gly209Arg]KGRYGEVWRG